The following is an entry in ClinVar:

NM_000256.3(MYBPC3):c.1227G>A (p.Lys409=)

Gene: MYBPC3 (myosin binding protein C3; minus strand). Cytogenetic location: 11p11.2.
Variant type: single nucleotide variant.
Coding change: c.1227G>A on transcript NM_000256.3 (MANE Select); coding-DNA position 1227, G replaced by A.
Protein change: p.Lys409=; no amino-acid change (lysine 409 retained).
Molecular consequence: synonymous variant.
Genome position (GRCh38, 1-based): chr11:47,343,145, C>T on the plus strand (G>A on the coding strand, the complement: MYBPC3 is on the minus strand). VCF-style: chr11-47343145-C-T. GRCh37 (hg19) VCF-style: chr11-47364696-C-T.
Identifiers: ClinVar variation 3071496 (VCV003071496.1), dbSNP rs2495764428, ClinGen allele CA474429463.
Genomic context (GRCh38, chr11:47,343,145, plus strand): 5'-CGCCAATGAGCACTGGCTGATGGTCAGGGTACGCTTGGCACCGATGGACTCAAAGATGTA[C>T]CTGGGTGGGGGCCGCAGGGAAGTGGCAGGAAAGCTGCGGACACCCCTCCGGGCCCAGTGC-3'
Protein context (NP_000247.2, residues 399-419): NGQEIQMSGS[Lys409=]YIFESIGAKR

ClinVar aggregate classification (germline): Uncertain significance (1 of 4 stars; one submission).

Conditions:
Hypertrophic cardiomyopathy. Also called: HYPERTROPHIC MYOCARDIOPATHY. Identifiers: Orphanet 217569, MedGen C0007194, MeSH D002312, MONDO:0005045, HP:0001639.

Allele frequency attached by ClinVar (database versions not stated): gnomAD exomes below 0.00001.
gnomAD v4.1: 1 of 1,610,468 alleles (0.000062%); highest among the groups gnomAD compares: Non-Finnish European, 0.000085%; no homozygotes.

Submission:

All of Us Research Program, National Institutes of Health
Classification: Uncertain significance for Hypertrophic cardiomyopathy. Last evaluated: 2023-06-08. Review status: criteria provided, single submitter. Criteria: ACMG Guidelines, 2015. Collection method: clinical testing. Allele origin: germline. Inheritance: Autosomal dominant inheritance. Observed: 1 variant allele, 1 heterozygote.
Comment: This variant is located in the MYBPC3 protein. To our knowledge, functional studies have not been reported for this variant. This variant has not been reported in individuals affected with MYBPC3-related disorders in the literature. This variant has not been identified in the general population by the Genome Aggregation Database (gnomAD). The available evidence is insufficient to determine the role of this variant in disease conclusively. Therefore, this variant is classified as a Variant of Uncertain Significance.

This study involves interpretation of variants in research participants for the purpose of population health screening. Participant phenotype was not available at the time of variant classification. Additional details can be found in publication PMID: 35346344, PMCID: PMC8962531